The following is an entry in ClinVar:

NM_001939.3(DRP2):c.440C>A (p.Ala147Asp)

Gene: DRP2 (dystrophin related protein 2; plus strand). Cytogenetic location: Xq22.1.
Variant type: single nucleotide variant.
Coding change: c.440C>A on transcript NM_001939.3 (MANE Select); coding-DNA position 440, C replaced by A.
Protein change: p.Ala147Asp; replaces alanine 147 with aspartic acid.
Molecular consequence: missense variant.
Genome position (GRCh38, 1-based): chrX:101,238,982, C>A. VCF-style: chrX-101238982-C-A. GRCh37 (hg19) VCF-style: chrX-100493971-C-A.
Other names: c.206C>A, p.Ala69Asp (NM_001171184.2); short protein forms A147D, A69D.
Identifiers: ClinVar variation 2777991 (VCV002777991.3), dbSNP rs2523064045, ClinGen allele CA413913649.

ClinVar aggregate classification (germline): Uncertain significance (1 of 4 stars; one submission).

Submission:

Labcorp Genetics (formerly Invitae), Labcorp
Classification: Uncertain significance. Last evaluated: 2023-11-04. Review status: criteria provided, single submitter. Criteria: Invitae Variant Classification Sherloc (09022015). Collection method: clinical testing. Allele origin: germline.
Comment: This sequence change replaces alanine, which is neutral and non-polar, with aspartic acid, which is acidic and polar, at codon 147 of the DRP2 protein (p.Ala147Asp). This variant is not present in population databases (gnomAD no frequency). This variant has not been reported in the literature in individuals affected with DRP2-related conditions. An algorithm developed to predict the effect of missense changes on protein structure and function (PolyPhen-2) suggests that this variant is likely to be disruptive. In summary, the available evidence is currently insufficient to determine the role of this variant in disease. Therefore, it has been classified as a Variant of Uncertain Significance.